The following is an entry in ClinVar:

ClinVar aggregate classification (germline): Likely pathogenic (1 of 4 stars; one submission).

Allele frequency attached by ClinVar (database versions not stated): gnomAD exomes below 0.00001.

Submission:

Labcorp Genetics (formerly Invitae), Labcorp
Classification: Likely pathogenic. Last evaluated: 2023-12-02. Review status: criteria provided, single submitter. Criteria: Invitae Variant Classification Sherloc (09022015). Collection method: clinical testing. Allele origin: germline.
Comment: This sequence change affects an acceptor splice site in intron 7 of the PDE6C gene. It is expected to disrupt RNA splicing. Variants that disrupt the donor or acceptor splice site typically lead to a loss of protein function (PMID: 16199547), and loss-of-function variants in PDE6C are known to be pathogenic (PMID: 19887631, 23776498, 26103963, 30080950). This variant is present in population databases (no rsID available, gnomAD 0.0009%). Disruption of this splice site has been observed in individual(s) with complete achromatopsia (PMID: 30289319). ClinVar contains an entry for this variant (Variation ID: 968020). Algorithms developed to predict the effect of sequence changes on RNA splicing suggest that this variant may disrupt the consensus splice site. In summary, the currently available evidence indicates that the variant is pathogenic, but additional data are needed to prove that conclusively. Therefore, this variant has been classified as Likely Pathogenic.

Literature cited by the submitters: PubMed 16199547; PubMed 19887631; PubMed 23776498; PubMed 26103963; PubMed 30080950; PubMed 30289319.

NM_006204.4(PDE6C):c.1072-1G>C

Gene: PDE6C (phosphodiesterase 6C; plus strand). Cytogenetic location: 10q23.33.
Variant type: single nucleotide variant.
Coding change: c.1072-1G>C on transcript NM_006204.4 (MANE Select); the canonical splice acceptor site of the intron before coding-DNA position 1072, G replaced by C.
Molecular consequence: splice acceptor variant.
Genome position (GRCh38, 1-based): chr10:93,629,257, G>C. VCF-style: chr10-93629257-G-C. GRCh37 (hg19) VCF-style: chr10-95389014-G-C.
Identifiers: ClinVar variation 968020 (VCV000968020.10), dbSNP rs1461895191, ClinGen allele CA377632673.